The following is an entry in ClinVar:

NM_001367624.2(ZNF469):c.6566C>T (p.Ala2189Val)

Gene: ZNF469 (zinc finger protein 469; plus strand). Cytogenetic location: 16q24.2.
Variant type: single nucleotide variant.
Coding change: c.6566C>T on transcript NM_001367624.2 (MANE Select); coding-DNA position 6566, C replaced by T.
Protein change: p.Ala2189Val; replaces alanine 2189 with valine.
Molecular consequence: missense variant.
Genome position (GRCh38, 1-based): chr16:88,434,036, C>T. VCF-style: chr16-88434036-C-T. GRCh37 (hg19) VCF-style: chr16-88500444-C-T.
Other names: NM_001127464.1:c.6482C>T; short protein forms A2189V.
Identifiers: ClinVar variation 1753769 (VCV001753769.2), dbSNP rs1179192896, ClinGen allele CA397106204.

ClinVar aggregate classification (germline): Uncertain significance (1 of 4 stars; one submission).

Conditions:
Cardiovascular phenotype. Identifiers: MedGen CN230736.

Allele frequency attached by ClinVar (database versions not stated): gnomAD exomes below 0.00001; gnomAD 0.00001.
gnomAD v4.1: 3 of 1,550,186 alleles (0.00019%); highest among the groups gnomAD compares: African/African-American, 0.0041%; no homozygotes.

Submission:

Ambry Genetics
Classification: Uncertain significance for Cardiovascular phenotype. Last evaluated: 2022-04-09. Review status: criteria provided, single submitter. Criteria: Ambry Variant Classification Scheme 2023. Collection method: clinical testing. Allele origin: germline.
Comment: The p.A2161V variant (also known as c.6482C>T), located in coding exon 2 of the ZNF469 gene, results from a C to T substitution at nucleotide position 6482. The alanine at codon 2161 is replaced by valine, an amino acid with similar properties. This amino acid position is conserved. In addition, this alteration is predicted to be tolerated by in silico analysis. Since supporting evidence is limited at this time, the clinical significance of this alteration remains unclear.